The following is an entry in ClinVar:

NM_004364.5(CEBPA):c.545A>T (p.Gln182Leu)

Gene: CEBPA (CCAAT enhancer binding protein alpha; minus strand). Cytogenetic location: 19q13.11.
Variant type: single nucleotide variant.
Coding change: c.545A>T on transcript NM_004364.5 (MANE Select); coding-DNA position 545, A replaced by T.
Protein change: p.Gln182Leu; replaces glutamine 182 with leucine.
Molecular consequence: missense variant.
Genome position (GRCh38, 1-based): chr19:33,301,870, T>A on the plus strand (A>T on the coding strand, the complement: CEBPA is on the minus strand). VCF-style: chr19-33301870-T-A. GRCh37 (hg19) VCF-style: chr19-33792776-T-A.
Other names: c.545A>T (NM_004364.3); c.188A>T, p.Gln63Leu (NM_001285829.2); c.650A>T, p.Gln217Leu (NM_001287424.2); c.503A>T, p.Gln168Leu (NM_001287435.2); short protein forms Q182L, Q217L, Q168L, Q63L.
Identifiers: ClinVar variation 947523 (VCV000947523.11), dbSNP rs1555742145, ClinGen allele CA405274721.

ClinVar aggregate classification (germline): Uncertain significance. Review status: criteria provided, multiple submitters, no conflicts (2 of 4 stars). 2 submissions from 2 submitters: Uncertain significance (2). Last evaluated 2025-10-27.

Conditions:
Inborn genetic diseases. Identifiers: MedGen C0950123, MeSH D030342.
Acute myeloid leukemia (AML). Also called: Acute myeloid leukemia, adult; AML adult; Acute non-lymphocytic leukemia; Acute granulocytic leukemia; Leukemia, acute myelogenous, somatic; Leukemia, acute myeloid, somatic. Identifiers: Orphanet 519, MedGen C0023467, MeSH D015470, MONDO:0018874, OMIM 601626, HP:0004808. Disease mechanism: Constitutively activated FLT3.

gnomAD v4.1: 3 of 1,273,668 alleles (0.00024%); highest among the groups gnomAD compares: Non-Finnish European, 0.0003%; no homozygotes.

Submissions (2):

Ambry Genetics
Classification: Uncertain significance for Inborn genetic diseases. Last evaluated: 2025-10-27. Review status: criteria provided, single submitter. Criteria: Ambry Variant Classification Scheme 2023. Collection method: clinical testing. Allele origin: germline.
Comment: The p.Q182L variant (also known as c.545A>T), located in coding exon 1 of the CEBPA gene, results from an A to T substitution at nucleotide position 545. The glutamine at codon 182 is replaced by leucine, an amino acid with dissimilar properties. This amino acid position is conserved. In addition, this alteration is predicted to be tolerated by in silico analysis. Based on the available evidence, the clinical significance of this variant remains unclear.

Labcorp Genetics (formerly Invitae), Labcorp
Classification: Uncertain significance for Acute myeloid leukemia. Last evaluated: 2022-03-13. Review status: criteria provided, single submitter. Criteria: Invitae Variant Classification Sherloc (09022015). Collection method: clinical testing. Allele origin: germline.
Comment: This variant is not present in population databases (gnomAD no frequency). This variant has not been reported in the literature in individuals affected with CEBPA-related conditions. ClinVar contains an entry for this variant (Variation ID: 947523). Algorithms developed to predict the effect of missense changes on protein structure and function (SIFT, PolyPhen-2, Align-GVGD) all suggest that this variant is likely to be tolerated. In summary, the available evidence is currently insufficient to determine the role of this variant in disease. Therefore, it has been classified as a Variant of Uncertain Significance. This sequence change replaces glutamine, which is neutral and polar, with leucine, which is neutral and non-polar, at codon 182 of the CEBPA protein (p.Gln182Leu).